The following is an entry in ClinVar:

NM_002522.4(NPTX1):c.999_1020del (p.Gln334fs)

Gene: NPTX1 (neuronal pentraxin 1; minus strand). Cytogenetic location: 17q25.3.
Variant type: Deletion.
Coding change: c.999_1020del on transcript NM_002522.4 (MANE Select); coding-DNA positions 999 to 1020, 22 bases deleted (GCAGGGTGGCAGTGGCGAGAAC).
Protein change: p.Gln334fs; shifts the reading frame from glutamine 334.
Molecular consequence: frameshift variant.
Genome position (GRCh38, 1-based): chr17:80,471,789-80,471,810, GTTCTCGCCACTGCCACCCTGC deleted on the plus strand (GCAGGGTGGCAGTGGCGAGAAC on the coding strand, the reverse complement: NPTX1 is on the minus strand); deleting any 22 consecutive bases within chr17:80,471,789-80,471,812 gives the same sequence; the c. name uses the placement nearest the transcript's 3' end. VCF-style (leftmost placement, unchanged base first): chr17-80471788-AGTTCTCGCCACTGCCACCCTGC-A. GRCh37 (hg19) VCF-style: chr17-78445588-AGTTCTCGCCACTGCCACCCTGC-A.
Other names: short protein forms Q334fs.
Identifiers: ClinVar variation 5016905 (VCV005016905.1).

ClinVar aggregate classification (germline): Uncertain significance (1 of 4 stars; one submission).

Submission:

GeneDx
Classification: Uncertain significance. Last evaluated: 2026-03-19. Review status: criteria provided, single submitter. Criteria: GeneDx Variant Classification Process June 2021. Collection method: clinical testing. Allele origin: germline.
Comment: Not observed at significant frequency in large population cohorts (gnomAD); Has not been previously published as pathogenic or benign to our knowledge; Frameshift variant predicted to result in abnormal protein length as the last 99 amino acid(s) are replaced with 45 different amino acid(s) with an unclear effect on protein function